The following is an entry in ClinVar:

ClinVar aggregate classification (germline): Uncertain significance (1 of 4 stars; one submission).

Conditions:
Familial colorectal cancer. Identifiers: MedGen CN280943, MONDO:0023113. Disease mechanism: loss of function.

Submission:

Labcorp Genetics (formerly Invitae), Labcorp
Classification: Uncertain significance for Familial colorectal cancer. Last evaluated: 2018-05-07. Review status: criteria provided, single submitter. Criteria: Invitae Variant Classification Sherloc (09022015). Collection method: clinical testing. Allele origin: germline.
Comment: This variant results in a copy number gain of the genomic region encompassing the promoter of the GREM1 gene. The precise boundaries of this event are unknown. Two different tandem duplications (40 kb and 16 kb) spanning the 3' end of the SCG5 gene and the region upstream of the GREM1 gene have been reported in families with hereditary mixed polyposis syndrome (PMID: 22561515, 25992589, 26493165). However, the gain identified in this individual is different from those variants, and therefore the impact of the additional duplicated sequences on GREM1 expression and function has not been established. In summary, the available evidence is currently insufficient to determine the role of this variant in disease. Therefore, it has been classified as a Variant of Uncertain Significance.

Literature cited by the submitters: PubMed 22561515; PubMed 25992589; PubMed 26493165.

NC_000015.9:g.(?_32964740)_(33002449_?)dup

Genes: GREM1 (gremlin 1, DAN family BMP antagonist; plus strand), SCG5 (secretogranin V; plus strand). Cytogenetic location: 15q13.3.
Variant type: Duplication.
Identifiers: ClinVar variation 1062672 (VCV001062672.7).